The following is an entry in ClinVar:

ClinVar aggregate classification (germline): Uncertain significance (1 of 4 stars; one submission).

gnomAD v4.1: 1 of 1,534,850 alleles (0.000065%); highest among the groups gnomAD compares: South Asian, 0.0011%; no homozygotes.

Submission:

Labcorp Genetics (formerly Invitae), Labcorp
Classification: Uncertain significance. Last evaluated: 2024-11-02. Review status: criteria provided, single submitter. Criteria: Invitae Variant Classification Sherloc (09022015). Collection method: clinical testing. Allele origin: germline.
Comment: This sequence change replaces valine, which is neutral and non-polar, with alanine, which is neutral and non-polar, at codon 285 of the IMPG1 protein (p.Val285Ala). This variant is present in population databases (no rsID available, gnomAD 0.003%). This variant has not been reported in the literature in individuals affected with IMPG1-related conditions. An algorithm developed to predict the effect of missense changes on protein structure and function (PolyPhen-2) suggests that this variant is likely to be disruptive. In summary, the available evidence is currently insufficient to determine the role of this variant in disease. Therefore, it has been classified as a Variant of Uncertain Significance.

NM_001563.4(IMPG1):c.854T>C (p.Val285Ala)

Gene: IMPG1 (interphotoreceptor matrix proteoglycan 1; minus strand). Cytogenetic location: 6q14.1.
Variant type: single nucleotide variant.
Coding change: c.854T>C on transcript NM_001563.4 (MANE Select); coding-DNA position 854, T replaced by C.
Protein change: p.Val285Ala; replaces valine 285 with alanine.
Molecular consequence: missense variant.
Genome position (GRCh38, 1-based): chr6:76,011,178, A>G on the plus strand (T>C on the coding strand, the complement: IMPG1 is on the minus strand). VCF-style: chr6-76011178-A-G. GRCh37 (hg19) VCF-style: chr6-76720895-A-G.
Other names: c.620T>C, p.Val207Ala (NM_001282368.2); short protein forms V207A, V285A.
Identifiers: ClinVar variation 3724448 (VCV003724448.2).